The following is an entry in ClinVar:

NM_001042545.2(LTBP4):c.517G>T (p.Val173Leu)

Gene: LTBP4 (latent transforming growth factor beta binding protein 4; plus strand). Cytogenetic location: 19q13.2.
Variant type: single nucleotide variant.
Coding change: c.517G>T on transcript NM_001042545.2 (MANE Select); coding-DNA position 517, G replaced by T.
Protein change: p.Val173Leu; replaces valine 173 with leucine.
Molecular consequence: missense variant.
Genome position (GRCh38, 1-based): chr19:40,605,479, G>T. VCF-style: chr19-40605479-G-T. GRCh37 (hg19) VCF-style: chr19-41111385-G-T.
Other names: c.718G>T, p.Val240Leu (NM_001042544.1); c.607G>T, p.Val203Leu (NM_003573.2); short protein forms V173L, V203L, V240L.
Identifiers: ClinVar variation 1300963 (VCV001300963.4), dbSNP rs755035387, ClinGen allele CA9448053.

ClinVar aggregate classification (germline): Conflicting classifications of pathogenicity. Review status: criteria provided, conflicting classifications (1 of 4 stars). 3 submissions from 3 submitters: Uncertain significance (2); Likely benign (1). Last evaluated 2024-09-20.

Conditions:
Cutis laxa with severe pulmonary, gastrointestinal and urinary anomalies. Also called: URBAN-RIFKIN-DAVIS SYNDROME; Cutis laxa, autosomal recessive, type IC; LTBP4-Related Cutis Laxa. Identifiers: Orphanet 221145, MedGen C2750804, MONDO:0013170, OMIM 613177. Disease mechanism: loss of function.

Allele frequency attached by ClinVar (database versions not stated): gnomAD 0.00001; TOPMed 0.00002; gnomAD exomes 0.00005; ExAC 0.00007.
gnomAD v4.1: 74 of 1,612,282 alleles (0.0046%); highest among the groups gnomAD compares: Middle Eastern, 0.099%; no homozygotes.

Submissions (3):

3billion
Classification: Likely benign for Cutis laxa with severe pulmonary, gastrointestinal and urinary anomalies. Last evaluated: 2024-09-20. Review status: criteria provided, single submitter. Criteria: ACMG Guidelines, 2015. Collection method: clinical testing. Allele origin: germline. Affected: no.
Comment: The homozygous variant was found in patients diagnosed with another variant in a different gene, with no symptoms related to the gene containing the homozygous variant.

Labcorp Genetics (formerly Invitae), Labcorp
Classification: Uncertain significance. Last evaluated: 2022-07-19. Review status: criteria provided, single submitter. Criteria: Invitae Variant Classification Sherloc (09022015). Collection method: clinical testing. Allele origin: germline.
Comment: This sequence change replaces valine, which is neutral and non-polar, with leucine, which is neutral and non-polar, at codon 203 of the LTBP4 protein (p.Val203Leu). This variant is present in population databases (rs755035387, gnomAD 0.009%). This variant has not been reported in the literature in individuals affected with LTBP4-related conditions. ClinVar contains an entry for this variant (Variation ID: 1300963). Experimental studies and prediction algorithms are not available or were not evaluated, and the functional significance of this variant is currently unknown. In summary, the available evidence is currently insufficient to determine the role of this variant in disease. Therefore, it has been classified as a Variant of Uncertain Significance.

GeneDx
Classification: Uncertain significance. Last evaluated: 2021-10-01. Review status: criteria provided, single submitter. Criteria: GeneDx Variant Classification Process June 2021. Collection method: clinical testing. Allele origin: germline. Affected: yes.
Comment: Has not been previously published as pathogenic or benign to our knowledge; Not observed at significant frequency in large population cohorts (Lek et al., 2016); In silico analysis supports that this missense variant does not alter protein structure/function